The following is an entry in ClinVar:

NM_005359.6(SMAD4):c.668G>T (p.Ser223Ile)

Gene: SMAD4 (SMAD family member 4; plus strand). Cytogenetic location: 18q21.2.
Variant type: single nucleotide variant.
Coding change: c.668G>T on transcript NM_005359.6 (MANE Select); coding-DNA position 668, G replaced by T.
Protein change: p.Ser223Ile; replaces serine 223 with isoleucine.
Molecular consequence: missense variant.
Genome position (GRCh38, 1-based): chr18:51,058,125, G>T. VCF-style: chr18-51058125-G-T. GRCh37 (hg19) VCF-style: chr18-48584495-G-T.
Other names: short protein forms S223I.
Identifiers: ClinVar variation 240152 (VCV000240152.9), dbSNP rs774334251, ClinGen allele CA10583702.
Genomic context (GRCh38, chr18:51,058,125, plus strand): 5'-TATGAAATCATAAGATGACATCTATGAATGTACCATGTTAATGTCTTCTTGTTCCTCTAG[G>T]TCAGCCTGCCAGTATACTGGGGGGCAGCCATAGTGAAGGACTGTTGCAGATAGCATCAGG-3'
Protein context (NP_005350.1, residues 213-233): NFPNIPVAST[Ser223Ile]QPASILGGSH

ClinVar aggregate classification (germline): Uncertain significance (1 of 4 stars; one submission).

Conditions:
Juvenile polyposis syndrome (JPS). Identifiers: Orphanet 2929, MedGen C0345893, MONDO:0017380, OMIM 174900.

Submission:

Labcorp Genetics (formerly Invitae), Labcorp
Classification: Uncertain significance for Juvenile polyposis syndrome. Last evaluated: 2022-08-16. Review status: criteria provided, single submitter. Criteria: Invitae Variant Classification Sherloc (09022015). Collection method: clinical testing. Allele origin: germline.
Comment: ClinVar contains an entry for this variant (Variation ID: 240152). This variant has not been reported in the literature in individuals affected with SMAD4-related conditions. This variant is not present in population databases (gnomAD no frequency). This sequence change replaces serine, which is neutral and polar, with isoleucine, which is neutral and non-polar, at codon 223 of the SMAD4 protein (p.Ser223Ile). Algorithms developed to predict the effect of missense changes on protein structure and function (SIFT, PolyPhen-2, Align-GVGD) all suggest that this variant is likely to be tolerated. In summary, the available evidence is currently insufficient to determine the role of this variant in disease. Therefore, it has been classified as a Variant of Uncertain Significance.